The following is an entry in ClinVar:

ClinVar aggregate classification (germline): Benign/Likely benign. Review status: criteria provided, multiple submitters, no conflicts (2 of 4 stars). 4 submissions from 4 submitters: Benign (2); Likely benign (2). Last evaluated 2019-04-10.

Conditions:
Woodhouse-Sakati syndrome. Also called: Hypogonadism, Alopecia, Diabetes Mellitus, Mental Retardation, and Extrapyramidal Syndrome; Hypogonadism, diabetes mellitus, alopecia, mental retardation and electrocardiographic abnormalities; EXTRAPYRAMIDAL DISORDER, PROGRESSIVE, WITH PRIMARY HYPOGONADISM, MENTAL RETARDATION, AND ALOPECIA. Identifiers: Orphanet 3464, MedGen C0342286, MONDO:0009419, OMIM 241080.

Allele frequency attached by ClinVar (database versions not stated): 1000 Genomes Project 30x 0.00906; ExAC 0.01427; gnomAD exomes 0.01875 and 0.02228; gnomAD 0.01942 and 0.02083; 1000 Genomes Project 0.00978; TOPMed 0.01884.
gnomAD v4.1: 16,113 of 737,862 alleles (2.2%); highest among the groups gnomAD compares: Non-Finnish European, 2.8%; 269 homozygotes.

Submissions (4):

GeneDx
Classification: Likely benign. Last evaluated: 2019-04-10. Review status: criteria provided, single submitter. Criteria: GeneDx Variant Classification Process June 2021. Collection method: clinical testing. Allele origin: germline. Affected: yes.

Illumina Laboratory Services, Illumina
Classification: Benign for Woodhouse-Sakati syndrome. Last evaluated: 2018-01-13. Review status: criteria provided, single submitter. Criteria: ICSL Variant Classification Criteria 13 December 2019. Collection method: clinical testing. Allele origin: germline.
Comment: This variant was observed in the ICSL laboratory as part of a predisposition screen in an ostensibly healthy population. It had not been previously curated by ICSL or reported in the Human Gene Mutation Database (HGMD: prior to June 1st, 2018), and was therefore a candidate for classification through an automated scoring system. Utilizing variant allele frequency, disease prevalence and penetrance estimates, and inheritance mode, an automated score was calculated to assess if this variant is too frequent to cause the disease. Based on the score and internal cut-off values, a variant classified as benign is not then subjected to further curation. The score for this variant resulted in a classification of benign for this disease.

Breakthrough Genomics
Classification: Likely benign. Review status: criteria provided, single submitter. Criteria: ACMG Guidelines, 2015. Collection method: not provided. Allele origin: germline. Inheritance: Autosomal recessive inheritance. Affected: yes.

Clinical Genomics, Uppaluri K&H Personalized Medicine Clinic
Classification: Benign for Woodhouse-Sakati syndrome. Review status: criteria provided, single submitter. Criteria: K & H Uppaluri Personalized Medicine Clinic Variant Classification & Assertion Criteria_Updated V.1. Collection method: research. Allele origin: unknown. Inheritance: Autosomal recessive inheritance.
Comment: Mutations in DCAF17 have been associated with a rare syndrome called Woodhouse Sakati Syndrome, which can have diabetes mellitus as one of the presentations.However no sufficient evidence is found to ascertain the role of this particular variant rs142315519, yet.

Literature cited by the submitters: PubMed 31347785 (cited by Clinical Genomics, Uppaluri K&H Personalized Medicine Clinic); PubMed 35876063 (cited by Clinical Genomics, Uppaluri K&H Personalized Medicine Clinic); PubMed 27489925 (cited by Clinical Genomics, Uppaluri K&H Personalized Medicine Clinic).

NM_025000.4(DCAF17):c.*188T>A

Gene: DCAF17 (DDB1 and CUL4 associated factor 17; plus strand). Cytogenetic location: 2q31.1.
Variant type: single nucleotide variant.
Coding change: c.*188T>A on transcript NM_025000.4 (MANE Select); 188 bases downstream of the stop codon, T replaced by A.
Molecular consequence: 3 prime UTR variant. On other transcripts: non-coding transcript variant (1).
Genome position (GRCh38, 1-based): chr2:171,481,302, T>A. VCF-style: chr2-171481302-T-A. GRCh37 (hg19) VCF-style: chr2-172337812-T-A.
Other names: c.*188T>A (NM_001164821.2).
Identifiers: ClinVar variation 332277 (VCV000332277.9), dbSNP rs142315519, ClinGen allele CA1965025.